The following is an entry in ClinVar:

NM_001367871.1(FBRSL1):c.1515C>T (p.Gly505=)

Gene: FBRSL1 (fibrosin like 1; plus strand). Cytogenetic location: 12q24.33.
Variant type: single nucleotide variant.
Coding change: c.1515C>T on transcript NM_001367871.1 (MANE Select); coding-DNA position 1515, C replaced by T.
Protein change: p.Gly505=; no amino-acid change (glycine 505 retained).
Molecular consequence: synonymous variant. On other transcripts: intron variant (1).
Genome position (GRCh38, 1-based): chr12:132,572,607, C>T. VCF-style: chr12-132572607-C-T. GRCh37 (hg19) VCF-style: chr12-133149193-C-T.
Other names: c.1569C>T, p.Gly523= (NM_001142641.2, NM_001382739.1); c.1213+2067C>T (NM_001382740.1).
Identifiers: ClinVar variation 4534380 (VCV004534380.6).

ClinVar aggregate classification (germline): Likely benign (1 of 4 stars; one submission).

gnomAD v4.1: 21 of 1,550,324 alleles (0.0014%); highest among the groups gnomAD compares: Middle Eastern, 0.033%; no homozygotes.

Submission:

CeGaT Center for Human Genetics Tuebingen
Classification: Likely benign. Last evaluated: 2025-10-01. Review status: criteria provided, single submitter. Criteria: CeGaT Center For Human Genetics Tuebingen Variant Classification Criteria Version 2. Collection method: clinical testing. Allele origin: germline. Affected: yes. Observed: 1 variant allele.
Comment: FBRSL1: BP4, BP7